The following is an entry in ClinVar:

ClinVar aggregate classification (germline): Uncertain significance (1 of 4 stars; one submission).

Conditions:
MC4R-related disorder. Also called: MC4R-related condition.

Submission:

PreventionGenetics, part of Exact Sciences
Classification: Uncertain significance for MC4R-related condition. Last evaluated: 2026-07-13. Review status: criteria provided, single submitter. Criteria: ACMG Guidelines, 2015. Collection method: clinical testing. Allele origin: germline.
Comment: The MC4R c.697G>A variant is predicted to result in the amino acid substitution p.Gly233Ser. This variant has not been reported in a large population database (gnomAD), indicating this variant is rare. At this time, the clinical significance of this variant is uncertain due to the absence of conclusive functional and genetic evidence.

NM_005912.3(MC4R):c.697G>A (p.Gly233Ser)

Gene: MC4R (melanocortin 4 receptor; minus strand). Cytogenetic location: 18q21.32.
Variant type: single nucleotide variant.
Coding change: c.697G>A on transcript NM_005912.3 (MANE Select); coding-DNA position 697, G replaced by A.
Protein change: p.Gly233Ser; replaces glycine 233 with serine.
Molecular consequence: missense variant.
Genome position (GRCh38, 1-based): chr18:60,371,653, C>T on the plus strand (G>A on the coding strand, the complement: MC4R is on the minus strand). VCF-style: chr18-60371653-C-T. GRCh37 (hg19) VCF-style: chr18-58038886-C-T.
Other names: short protein forms G233S.
Identifiers: ClinVar variation 4978122 (VCV004978122.1).